The following is an entry in ClinVar:

NM_000199.5(SGSH):c.*848C>G

Gene: SGSH (N-sulfoglucosamine sulfohydrolase; minus strand). Cytogenetic location: 17q25.3.
Variant type: single nucleotide variant.
Coding change: c.*848C>G on transcript NM_000199.5 (MANE Select); 848 bases downstream of the stop codon, C replaced by G.
Molecular consequence: 3 prime UTR variant. On other transcripts: non-coding transcript variant (1).
Genome position (GRCh38, 1-based): chr17:80,209,604, G>C on the plus strand (C>G on the coding strand, the complement: SGSH is on the minus strand). VCF-style: chr17-80209604-G-C. GRCh37 (hg19) VCF-style: chr17-78183403-G-C.
Other names: c.*1444C>G (NM_001352921.3); c.*1407C>G (NM_001352922.2).
Identifiers: ClinVar variation 325814 (VCV000325814.6), dbSNP rs709677, ClinGen allele CA10647072.

ClinVar aggregate classification (germline): Benign. Review status: criteria provided, multiple submitters, no conflicts (2 of 4 stars). 2 submissions from 2 submitters: Benign (2). Last evaluated 2018-01-13.

Conditions:
Mucopolysaccharidosis, MPS-III-A (MPS3A). Also called: MUCOPOLYSACCHARIDOSIS, TYPE IIIA, ATTENUATED; Mucopolysaccharidosis type IIIA (Sanfilippo A); mucopolysaccharidosis type 3A; MPS IIIA (Sanfilippo Syndrome Type A); MPS III A; HEPARAN SULFATE SULFATASE DEFICIENCY. Identifiers: Orphanet 581, Orphanet 79269, MedGen C0086647, MONDO:0009655, OMIM 252900.

Allele frequency attached by ClinVar (database versions not stated): gnomAD 0.67025 and 0.66636; 1000 Genomes Project 0.65415; gnomAD exomes 0.65545; TOPMed 0.68031.
gnomAD v4.1: 607,404 of 924,552 alleles (66%); highest among the groups gnomAD compares: African/African-American, 76%; 199,913 homozygotes.

Submissions (2):

Illumina Laboratory Services, Illumina
Classification: Benign for Mucopolysaccharidosis, MPS-III-A. Last evaluated: 2018-01-13. Review status: criteria provided, single submitter. Criteria: ICSL Variant Classification Criteria 13 December 2019. Collection method: clinical testing. Allele origin: germline.
Comment: This variant was observed in the ICSL laboratory as part of a predisposition screen in an ostensibly healthy population. It had not been previously curated by ICSL or reported in the Human Gene Mutation Database (HGMD: prior to June 1st, 2018), and was therefore a candidate for classification through an automated scoring system. Utilizing variant allele frequency, disease prevalence and penetrance estimates, and inheritance mode, an automated score was calculated to assess if this variant is too frequent to cause the disease. Based on the score and internal cut-off values, a variant classified as benign is not then subjected to further curation. The score for this variant resulted in a classification of benign for this disease.

Breakthrough Genomics
Classification: Benign. Review status: criteria provided, single submitter. Criteria: ACMG Guidelines, 2015. Collection method: not provided. Allele origin: germline. Inheritance: Autosomal recessive inheritance. Affected: yes.